The following is an entry in ClinVar:

NM_001079866.2(BCS1L):c.386G>A (p.Gly129Glu)

Gene: BCS1L (BCS1 ubiquinol-cytochrome c reductase complex chaperone; plus strand). Cytogenetic location: 2q35.
Variant type: single nucleotide variant.
Coding change: c.386G>A on transcript NM_001079866.2 (MANE Select); coding-DNA position 386, G replaced by A.
Protein change: p.Gly129Glu; replaces glycine 129 with glutamic acid.
Molecular consequence: missense variant. On other transcripts: 5 prime UTR variant (5), non-coding transcript variant (1), intron variant (1).
Genome position (GRCh38, 1-based): chr2:218,661,471, G>A. VCF-style: chr2-218661471-G-A. GRCh37 (hg19) VCF-style: chr2-219526194-G-A.
Other names: c.386G>A, p.Gly129Glu (NM_001257342.2, NM_001257343.2, NM_001257344.2 and 10 more transcripts); c.26G>A, p.Gly9Glu (NM_001318836.2, NM_001371451.1); c.-91G>A (NM_001371453.1, NM_001371454.1, NM_001371455.1 and 2 more transcripts); c.-41-288G>A (NM_001371452.1); short protein forms G129E, G9E.
Identifiers: ClinVar variation 2773214 (VCV002773214.3), dbSNP rs2469873434, ClinGen allele CA350626486.

ClinVar aggregate classification (germline): Likely pathogenic (1 of 4 stars; one submission).

Allele frequency attached by ClinVar (database versions not stated): gnomAD exomes below 0.00001.

Submission:

Labcorp Genetics (formerly Invitae), Labcorp
Classification: Likely pathogenic. Last evaluated: 2023-11-01. Review status: criteria provided, single submitter. Criteria: Invitae Variant Classification Sherloc (09022015). Collection method: clinical testing. Allele origin: germline.
Comment: This sequence change replaces glycine, which is neutral and non-polar, with glutamic acid, which is acidic and polar, at codon 129 of the BCS1L protein (p.Gly129Glu). This variant is not present in population databases (gnomAD no frequency). This variant has not been reported in the literature in individuals affected with BCS1L-related conditions. Advanced modeling of protein sequence and biophysical properties (such as structural, functional, and spatial information, amino acid conservation, physicochemical variation, residue mobility, and thermodynamic stability) performed at Invitae indicates that this missense variant is expected to disrupt BCS1L protein function with a positive predictive value of 95%. This variant disrupts the p.Gly129 amino acid residue in BCS1L. Other variant(s) that disrupt this residue have been determined to be pathogenic (PMID: 20472482, 22991165). This suggests that this residue is clinically significant, and that variants that disrupt this residue are likely to be disease-causing. In summary, the currently available evidence indicates that the variant is pathogenic, but additional data are needed to prove that conclusively. Therefore, this variant has been classified as Likely Pathogenic.

Literature cited by the submitters: PubMed 20472482; PubMed 22991165.